The following is an entry in ClinVar:

ClinVar aggregate classification (germline): Uncertain significance (1 of 4 stars; one submission).

Allele frequency attached by ClinVar (database versions not stated): TOPMed below 0.00001; gnomAD 0.00001; ExAC 0.00007.
gnomAD v4.1: 21 of 1,612,648 alleles (0.0013%); highest among the groups gnomAD compares: South Asian, 0.022%; no homozygotes.

Submission:

Labcorp Genetics (formerly Invitae), Labcorp
Classification: Uncertain significance. Last evaluated: 2023-08-27. Review status: criteria provided, single submitter. Criteria: Invitae Variant Classification Sherloc (09022015). Collection method: clinical testing. Allele origin: germline.
Comment: This sequence change replaces proline, which is neutral and non-polar, with serine, which is neutral and polar, at codon 740 of the WFS1 protein (p.Pro740Ser). This variant is present in population databases (rs769107352, gnomAD 0.04%). This variant has not been reported in the literature in individuals affected with WFS1-related conditions. Advanced modeling of protein sequence and biophysical properties (such as structural, functional, and spatial information, amino acid conservation, physicochemical variation, residue mobility, and thermodynamic stability) performed at Invitae indicates that this missense variant is expected to disrupt WFS1 protein function. In summary, the available evidence is currently insufficient to determine the role of this variant in disease. Therefore, it has been classified as a Variant of Uncertain Significance.

NM_006005.3(WFS1):c.2218C>T (p.Pro740Ser)

Gene: WFS1 (wolframin ER transmembrane glycoprotein; plus strand). Cytogenetic location: 4p16.1.
Variant type: single nucleotide variant.
Coding change: c.2218C>T on transcript NM_006005.3 (MANE Select); coding-DNA position 2218, C replaced by T.
Protein change: p.Pro740Ser; replaces proline 740 with serine.
Molecular consequence: missense variant.
Genome position (GRCh38, 1-based): chr4:6,302,013, C>T. VCF-style: chr4-6302013-C-T. GRCh37 (hg19) VCF-style: chr4-6303740-C-T.
Other names: c.2218C>T, p.Pro740Ser (NM_001145853.1); short protein forms P740S.
Identifiers: ClinVar variation 2730363 (VCV002730363.3), dbSNP rs769107352, ClinGen allele CA2839648.